The following is an entry in ClinVar:

ClinVar aggregate classification (germline): Likely benign (1 of 4 stars; one submission).

Conditions:
H19-related disorder. Also called: H19-related condition.

Submission:

PreventionGenetics, part of Exact Sciences
Classification: Likely benign for H19-related condition. Last evaluated: 2026-09-02. Review status: criteria provided, single submitter. Criteria: ACMG Guidelines, 2015. Collection method: clinical testing. Allele origin: germline.
Comment: This variant is classified as likely benign based on ACMG/AMP sequence variant interpretation guidelines (Richards et al. 2015 PMID: 25741868, with internal and published modifications).

NR_002196.3(H19):n.607T>C

Genes: H19 (H19 imprinted maternally expressed transcript; minus strand), MRPL23 (mitochondrial ribosomal protein L23; plus strand). Cytogenetic location: 11p15.5.
Variant type: single nucleotide variant.
Molecular consequence: non-coding transcript variant (on NR_002196.3). On other transcripts: intron variant (1).
Genome position: GRCh38 VCF-style: chr11-1997236-A-G. GRCh37 (hg19) VCF-style: chr11-2018466-A-G.
Other names: c.498-14305A>G (NM_001400176.1).
Identifiers: ClinVar variation 4989395 (VCV004989395.1).